The following is an entry in ClinVar:

NM_006231.4(POLE):c.6338C>G (p.Ser2113Cys)

Gene: POLE (DNA polymerase epsilon, catalytic subunit; minus strand). Cytogenetic location: 12q24.33.
Variant type: single nucleotide variant.
Coding change: c.6338C>G on transcript NM_006231.4 (MANE Select); coding-DNA position 6338, C replaced by G.
Protein change: p.Ser2113Cys; replaces serine 2113 with cysteine.
Molecular consequence: missense variant.
Genome position (GRCh38, 1-based): chr12:132,626,310, G>C on the plus strand (C>G on the coding strand, the complement: POLE is on the minus strand). VCF-style: chr12-132626310-G-C. GRCh37 (hg19) VCF-style: chr12-133202896-G-C.
Other names: short protein forms S2113C.
Identifiers: ClinVar variation 3225501 (VCV003225501.1), dbSNP rs2541842735, ClinGen allele CA387367902.

ClinVar aggregate classification (germline): Uncertain significance (1 of 4 stars; one submission).

Conditions:
Hereditary cancer-predisposing syndrome. Also called: Neoplastic Syndromes, Hereditary; Tumor predisposition; Hereditary neoplastic syndrome; Hereditary Cancer Syndrome. Identifiers: Orphanet 140162, MedGen C0027672, MeSH D009386, MONDO:0015356.

Allele frequency attached by ClinVar (database versions not stated): gnomAD exomes below 0.00001.
gnomAD v4.1: 2 of 1,613,574 alleles (0.00012%); highest among the groups gnomAD compares: Non-Finnish European, 0.00017%; no homozygotes.

Submission:

Ambry Genetics
Classification: Uncertain significance for Hereditary cancer-predisposing syndrome. Last evaluated: 2024-02-27. Review status: criteria provided, single submitter. Criteria: Ambry Variant Classification Scheme 2023. Collection method: clinical testing. Allele origin: germline.
Comment: The p.S2113C variant (also known as c.6338C>G), located in coding exon 46 of the POLE gene, results from a C to G substitution at nucleotide position 6338. The serine at codon 2113 is replaced by cysteine, an amino acid with dissimilar properties. This amino acid position is conserved. In addition, the in silico prediction for this alteration is inconclusive. Based on the available evidence, the clinical significance of this alteration remains unclear.